The following is an entry in ClinVar:

ClinVar aggregate classification (germline): Uncertain significance (1 of 4 stars; one submission).

Conditions:
Werner syndrome (WRN). Identifiers: Orphanet 902, MedGen C0043119, MONDO:0010196, OMIM 277700.

Submission:

Labcorp Genetics (formerly Invitae), Labcorp
Classification: Uncertain significance for Werner syndrome. Last evaluated: 2021-09-29. Review status: criteria provided, single submitter. Criteria: Invitae Variant Classification Sherloc (09022015). Collection method: clinical testing. Allele origin: germline.
Comment: This sequence change replaces lysine with threonine at codon 1389 of the WRN protein (p.Lys1389Thr). The lysine residue is moderately conserved and there is a moderate physicochemical difference between lysine and threonine. This variant is not present in population databases (ExAC no frequency). This variant has not been reported in the literature in individuals affected with WRN-related conditions. Algorithms developed to predict the effect of missense changes on protein structure and function (SIFT, PolyPhen-2, Align-GVGD) all suggest that this variant is likely to be tolerated. In summary, the available evidence is currently insufficient to determine the role of this variant in disease. Therefore, it has been classified as a Variant of Uncertain Significance.

NM_000553.6(WRN):c.4166A>C (p.Lys1389Thr)

Gene: WRN (WRN RecQ like helicase; plus strand). Cytogenetic location: 8p12.
Variant type: single nucleotide variant.
Coding change: c.4166A>C on transcript NM_000553.6 (MANE Select); coding-DNA position 4166, A replaced by C.
Protein change: p.Lys1389Thr; replaces lysine 1389 with threonine.
Molecular consequence: missense variant.
Genome position (GRCh38, 1-based): chr8:31,167,205, A>C. VCF-style: chr8-31167205-A-C. GRCh37 (hg19) VCF-style: chr8-31024721-A-C.
Other names: short protein forms K1389T.
Identifiers: ClinVar variation 858386 (VCV000858386.4), dbSNP rs1803931913, ClinGen allele CA370909998.
Genomic context (GRCh38, chr8:31,167,205, plus strand): 5'-TCAACAAAAGGAGATGTTTTCCCGGTTCTGAAGAGATCTGTTCAAGTTCTAAGAGAAGCA[A>C]GGAAGAAGTAGGCATCAATACTGAGGTATTAATTATATATAGAATTTTCATAAAGTGTCA-3'
Protein context (NP_000544.2, residues 1379-1399): EEICSSSKRS[Lys1389Thr]EEVGINTETS